The following is an entry in ClinVar:

ClinVar aggregate classification (germline): Conflicting classifications of pathogenicity. Review status: criteria provided, conflicting classifications (1 of 4 stars). 4 submissions from 4 submitters: Uncertain significance (3); Likely benign (1). Last evaluated 2025-12-17.

Conditions:
Norman-Roberts syndrome (LIS2). Also called: Lissencephaly 2 (Norman-Roberts type). Identifiers: Orphanet 89844, MedGen C0796089, MONDO:0009760, OMIM 257320.
Familial temporal lobe epilepsy 7. Identifiers: Orphanet 101046, MedGen C4225327, MONDO:0014639, OMIM 616436.
Inborn genetic diseases. Identifiers: MedGen C0950123, MeSH D030342.

Allele frequency attached by ClinVar (database versions not stated): gnomAD 0.00006 and 0.00008; ESP Exome Variant Server 0.00008; gnomAD exomes 0.00008 and 0.00011; TOPMed 0.00009; ExAC 0.00011; 1000 Genomes Project 30x 0.00031; 1000 Genomes Project 0.00040.
gnomAD v4.1: 179 of 1,614,052 alleles (0.011%); highest among the groups gnomAD compares: Admixed American, 0.02%; 1 homozygote.

Submissions (4):

Labcorp Genetics (formerly Invitae), Labcorp
Classification: Uncertain significance for Familial temporal lobe epilepsy 7; Norman-Roberts syndrome. Last evaluated: 2025-12-17. Review status: criteria provided, single submitter. Criteria: Invitae Variant Classification Sherloc (09022015). Collection method: clinical testing. Allele origin: germline.
Comment: This sequence change replaces leucine, which is neutral and non-polar, with arginine, which is basic and polar, at codon 2057 of the RELN protein (p.Leu2057Arg). This variant is present in population databases (rs138909076, gnomAD 0.02%). This variant has not been reported in the literature in individuals affected with RELN-related conditions. ClinVar contains an entry for this variant (Variation ID: 648956). Invitae Evidence Modeling of protein sequence and biophysical properties (such as structural, functional, and spatial information, amino acid conservation, physicochemical variation, residue mobility, and thermodynamic stability) indicates that this missense variant is not expected to disrupt RELN protein function with a negative predictive value of 80%. In summary, the available evidence is currently insufficient to determine the role of this variant in disease. Therefore, it has been classified as a Variant of Uncertain Significance.

CeGaT Center for Human Genetics Tuebingen
Classification: Likely benign. Last evaluated: 2023-11-01. Review status: criteria provided, single submitter. Criteria: CeGaT Center For Human Genetics Tuebingen Variant Classification Criteria Version 2. Collection method: clinical testing. Allele origin: germline. Affected: yes. Observed: 1 variant allele.
Comment: RELN: BS1:Supporting

Department of Pathology and Laboratory Medicine, Sinai Health System
Classification: Uncertain significance for Norman-Roberts syndrome. Last evaluated: 2023-02-06. Review status: criteria provided, single submitter. Criteria: ACMG Guidelines, 2015. Collection method: research. Allele origin: germline.

Ambry Genetics
Classification: Uncertain significance for Inborn genetic diseases. Last evaluated: 2022-06-29. Review status: criteria provided, single submitter. Criteria: Ambry Variant Classification Scheme 2023. Collection method: clinical testing. Allele origin: germline.
Comment: Unlikely to be causative of RELN-related lateral temporal epilepsy (AD) Based on insufficient or conflicting evidence, the clinical significance of this alteration remains unclear.

NM_005045.4(RELN):c.6170T>G (p.Leu2057Arg)

Gene: RELN (reelin; minus strand). Cytogenetic location: 7q22.1.
Variant type: single nucleotide variant.
Coding change: c.6170T>G on transcript NM_005045.4 (MANE Select); coding-DNA position 6170, T replaced by G.
Protein change: p.Leu2057Arg; replaces leucine 2057 with arginine.
Molecular consequence: missense variant.
Genome position (GRCh38, 1-based): chr7:103,551,199, A>C on the plus strand (T>G on the coding strand, the complement: RELN is on the minus strand). VCF-style: chr7-103551199-A-C. GRCh37 (hg19) VCF-style: chr7-103191646-A-C.
Other names: c.6170T>G, p.Leu2057Arg (NM_173054.3); short protein forms L2057R.
Identifiers: ClinVar variation 648956 (VCV000648956.33), dbSNP rs138909076, ClinGen allele CA4421011.